The following is an entry in ClinVar:

NM_000093.5(COL5A1):c.212C>T (p.Pro71Leu)

Gene: COL5A1 (collagen type V alpha 1 chain; plus strand). Cytogenetic location: 9q34.3.
Variant type: single nucleotide variant.
Coding change: c.212C>T on transcript NM_000093.5 (MANE Select); coding-DNA position 212, C replaced by T.
Protein change: p.Pro71Leu; replaces proline 71 with leucine.
Molecular consequence: missense variant.
Genome position (GRCh38, 1-based): chr9:134,691,014, C>T. VCF-style: chr9-134691014-C-T. GRCh37 (hg19) VCF-style: chr9-137582860-C-T.
Other names: c.212C>T, p.Pro71Leu (NM_001278074.1); c.212C>T (NM_000093.3); short protein forms P71L.
Identifiers: ClinVar variation 618035 (VCV000618035.23), dbSNP rs779540528, ClinGen allele CA5318233.
Genomic context (GRCh38, chr9:134,691,014, plus strand): 5'-TGCCTGATGGAATAACAAAGACAACAGGCTTTTGCGCCACGCGGCGATCTTCCAAAGGCC[C>T]GGATGTCGCTTACAGAGTCACCAAAGACGCGCAGCTCAGCGCACCCACCAAGCAGCTGTA-3'
Protein context (NP_000084.3, residues 61-81): FCATRRSSKG[Pro71Leu]DVAYRVTKDA

ClinVar aggregate classification (germline): Conflicting classifications of pathogenicity. Review status: criteria provided, conflicting classifications (1 of 4 stars). 6 submissions from 6 submitters: Uncertain significance (5); Likely benign (1). Last evaluated 2026-01-19.

Conditions:
Ehlers-Danlos syndrome, classic type, 1 (EDSCL1). Also called: Ehlers-Danlos syndrome, type 1; Ehlers-Danlos Syndrome, Classic Type, COL5A1-Related; EDS I; EHLERS-DANLOS SYNDROME, GRAVIS TYPE; EHLERS-DANLOS SYNDROME, SEVERE CLASSIC TYPE. Identifiers: MedGen C0268335, MONDO:0019567, OMIM 130000.
COL5A1-related disorder. Also called: COL5A1-related condition.
Ehlers-Danlos syndrome, classic type (cEDS). Identifiers: Orphanet 287, MedGen C4225429, MONDO:0007522.
Familial thoracic aortic aneurysm and aortic dissection (TAAD). Also called: Thoracic aortic aneurysms and dissections. Identifiers: Orphanet 91387, MedGen C4707243, MONDO:0019625.

Allele frequency attached by ClinVar (database versions not stated): gnomAD exomes 0.00001; ExAC 0.00002; TOPMed 0.00002; gnomAD 0.00003.
gnomAD v4.1: 37 of 1,613,702 alleles (0.0023%); highest among the groups gnomAD compares: African/African-American, 0.0053%; no homozygotes.

Submissions (6):

Labcorp Genetics (formerly Invitae), Labcorp
Classification: Likely benign for Ehlers-Danlos syndrome, classic type, 1. Last evaluated: 2026-01-19. Review status: criteria provided, single submitter. Criteria: Invitae Variant Classification Sherloc (09022015). Collection method: clinical testing. Allele origin: germline.

Ambry Genetics
Classification: Uncertain significance for Familial thoracic aortic aneurysm and aortic dissection. Last evaluated: 2025-12-30. Review status: criteria provided, single submitter. Criteria: Ambry Variant Classification Scheme 2023. Collection method: clinical testing. Allele origin: germline.
Comment: The p.P71L variant (also known as c.212C>T), located in coding exon 2 of the COL5A1 gene, results from a C to T substitution at nucleotide position 212. The proline at codon 71 is replaced by leucine, an amino acid with similar properties. This amino acid position is conserved. In addition, this alteration is predicted to be tolerated by in silico analysis. Based on the available evidence, the clinical significance of this variant remains unclear.

Molecular Genetics, Royal Melbourne Hospital
Classification: Uncertain significance for Ehlers-Danlos syndrome, classic type. Last evaluated: 2023-03-30. Review status: criteria provided, single submitter. Criteria: ACMG Guidelines, 2015. Collection method: clinical testing. Allele origin: germline. Affected: yes.
Comment: This sequence change in COL5A1 is predicted to replace proline with leucine at codon 71, p.(Pro71Leu). The proline residue is moderately conserved (100 vertebrates, UCSC), and is not located in an annotated functional domain. There is a moderate physicochemical difference between proline and leucine. The highest population minor allele frequency in gnomAD v3.1 is 0.007% (3/41,480 alleles) in the African/African American population. To our knowledge, this variant has not been reported in the literature in any individuals with COL5A1-related disease. It has been reported as a variant of uncertain significance (ClinVar ID: 618035). Multiple lines of computational evidence have conflicting predictions for the missense substitution (3/5 algorithms predict deleterious). Based on the classification scheme RMH Modified ACMG Guidelines v1.5.1, this variant is classified as a VARIANT OF UNCERTAIN SIGNIFICANCE. Following criteria are met: none.

PreventionGenetics, part of Exact Sciences
Classification: Uncertain significance for COL5A1-related condition. Last evaluated: 2022-11-14. Review status: criteria provided, single submitter. Criteria: ACMG Guidelines, 2015. Collection method: clinical testing. Allele origin: germline.
Comment: The COL5A1 c.212C>T variant is predicted to result in the amino acid substitution p.Pro71Leu. To our knowledge, this variant has not been reported in the literature. This variant is reported in 0.0026% of alleles in individuals of European (Non-Finnish) descent in gnomAD. At this time, the clinical significance of this variant is uncertain due to the absence of conclusive functional and genetic evidence.

ARUP Laboratories, Molecular Genetics and Genomics, ARUP Laboratories
Classification: Uncertain significance. Last evaluated: 2018-06-19. Review status: criteria provided, single submitter. Criteria: ARUP Molecular Germline Variant Investigation Process. Collection method: clinical testing. Allele origin: germline.
Comment: The COL5A1 c.212C>T; p.Pro71Leu variant (rs779540528), to our knowledge, is not reported in the medical literature or gene specific databases. This variant is found in at a very low frequency in the general population, 2 out of 246,144 alleles, in the Genome Aggregation Database. The proline at codon 71 is highly conserved and computational analyses (SIFT: damaging, PolyPhen-2: benign) predict conflicting effects of this variant on protein structure/function. Due to limited information, the clinical significance of the p.Pro71Leu variant is uncertain at this time.

Blueprint Genetics
Classification: Uncertain significance. Last evaluated: 2018-01-08. Review status: criteria provided, single submitter. Criteria: ACMG Guidelines, 2015. Collection method: clinical testing. Allele origin: germline.